The following is an entry in ClinVar:

NM_002579.3(PALM):c.575C>T (p.Thr192Met)

Gene: PALM (paralemmin; plus strand). Cytogenetic location: 19p13.3.
Variant type: single nucleotide variant.
Coding change: c.575C>T on transcript NM_002579.3 (MANE Select); coding-DNA position 575, C replaced by T.
Protein change: p.Thr192Met; replaces threonine 192 with methionine.
Molecular consequence: missense variant. On other transcripts: intron variant (1).
Genome position (GRCh38, 1-based): chr19:740,424, C>T. VCF-style: chr19-740424-C-T. GRCh37 (hg19) VCF-style: chr19-740424-C-T.
Other names: c.502+4346C>T (NM_001040134.2); short protein forms T192M.
Identifiers: ClinVar variation 2902805 (VCV002902805.3), dbSNP rs1380744916, ClinGen allele CA402886954.

ClinVar aggregate classification (germline): Uncertain significance (1 of 4 stars; one submission).

Allele frequency attached by ClinVar (database versions not stated): gnomAD exomes 0.00001; gnomAD 0.00002; TOPMed 0.00002.
gnomAD v4.1: 19 of 1,554,140 alleles (0.0012%); highest among the groups gnomAD compares: East Asian, 0.015%; no homozygotes.

Submission:

Labcorp Genetics (formerly Invitae), Labcorp
Classification: Uncertain significance. Last evaluated: 2023-04-30. Review status: criteria provided, single submitter. Criteria: Invitae Variant Classification Sherloc (09022015). Collection method: clinical testing. Allele origin: germline.
Comment: In summary, the available evidence is currently insufficient to determine the role of this variant in disease. Therefore, it has been classified as a Variant of Uncertain Significance. An algorithm developed to predict the effect of missense changes on protein structure and function (PolyPhen-2) suggests that this variant is likely to be disruptive. This variant has not been reported in the literature in individuals affected with PALM-related conditions. The frequency data for this variant in the population databases is considered unreliable, as metrics indicate poor data quality at this position in the gnomAD database. This sequence change replaces threonine, which is neutral and polar, with methionine, which is neutral and non-polar, at codon 192 of the PALM protein (p.Thr192Met).